The following is an entry in ClinVar:

ClinVar aggregate classification (germline): Uncertain significance (1 of 4 stars; one submission).

gnomAD v4.1: 3 of 1,608,730 alleles (0.00019%); highest among the groups gnomAD compares: Non-Finnish European, 0.00025%; no homozygotes.

Submission:

Labcorp Genetics (formerly Invitae), Labcorp
Classification: Uncertain significance. Last evaluated: 2025-05-30. Review status: criteria provided, single submitter. Criteria: Invitae Variant Classification Sherloc (09022015). Collection method: clinical testing. Allele origin: germline.
Comment: This sequence change replaces serine, which is neutral and polar, with glycine, which is neutral and non-polar, at codon 1613 of the RIMS1 protein (p.Ser1613Gly). This variant is not present in population databases (gnomAD no frequency). This variant has not been reported in the literature in individuals affected with RIMS1-related conditions. An algorithm developed to predict the effect of missense changes on protein structure and function (PolyPhen-2) suggests that this variant is likely to be tolerated. In summary, the available evidence is currently insufficient to determine the role of this variant in disease. Therefore, it has been classified as a Variant of Uncertain Significance.

NM_014989.7(RIMS1):c.4837A>G (p.Ser1613Gly)

Gene: RIMS1 (regulating synaptic membrane exocytosis 1; plus strand). Cytogenetic location: 6q13.
Variant type: single nucleotide variant.
Coding change: c.4837A>G on transcript NM_014989.7 (MANE Select); coding-DNA position 4837, A replaced by G.
Protein change: p.Ser1613Gly; replaces serine 1613 with glycine.
Molecular consequence: missense variant.
Genome position (GRCh38, 1-based): chr6:72,399,071, A>G. VCF-style: chr6-72399071-A-G. GRCh37 (hg19) VCF-style: chr6-73108773-A-G.
Other names: c.2797A>G, p.Ser933Gly (NM_001168407.2); c.2212A>G, p.Ser738Gly (NM_001168408.2, NM_001350430.2); c.2041A>G, p.Ser681Gly (NM_001168409.2); c.2239A>G, p.Ser747Gly (NM_001168410.2); c.418A>G, p.Ser140Gly (NM_001168411.2); c.2758A>G, p.Ser920Gly (NM_001350414.2); c.2854A>G, p.Ser952Gly (NM_001350415.2); c.2803A>G, p.Ser935Gly (NM_001350416.2); and 54 more; short protein forms S140G, S714G, S822G, S830G, S882G, S926G, S934G, S995G.
Identifiers: ClinVar variation 4695846 (VCV004695846.1).
Genomic context (GRCh38, chr6:72,399,071, plus strand): 5'-ACAAGAATTGCACGAAAAACCCTTGATCCTTTGTATCAGCAGTCTCTGGTTTTTGATGAA[A>G]GTCCACAGGGTAAAGTTCTTCAGGTCAGTAATAGTTTGTTTGGCTTTTTACATTGAAATG-3'
Protein context (NP_055804.2, residues 1603-1623): LYQQSLVFDE[Ser1613Gly]PQGKVLQVIV